The following is an entry in ClinVar:

ClinVar aggregate classification (germline): not provided (0 of 4 stars; one submission).

Allele frequency attached by ClinVar (database versions not stated): gnomAD 0.00008 and 0.00011; 1000 Genomes Project 30x 0.00016; TOPMed 0.00023.

Submission:

Human Evolutionary Genetics, Institut Pasteur
No classification provided. Review status: no classification provided. Collection method: not provided. Allele origin: germline.
ClinVar note: Converted during submission from untested to not provided.

NC_000016.10:g.3577680C>G

Gene: NLRC3 (NLR family CARD domain containing 3; minus strand). Cytogenetic location: 16p13.3.
Variant type: single nucleotide variant.
Genome position: GRCh38 VCF-style: chr16-3577680-C-G. GRCh37 (hg19) VCF-style: chr16-3627681-C-G.
Identifiers: ClinVar variation 102966 (VCV000102966.2), dbSNP rs199475929, ClinGen allele CA229932.
Genomic context (GRCh38, chr16:3,577,680, plus strand): 5'-GGCTGTTGACACATCACCTCCATCCCGCCACAAAGGAAGCTGCCCCGCCATCAACAAATG[C>G]TTGTTTTCAGGCGGGTGGTCAGGAAATCAAGTGAGCAGCCTGAGGTCACGCAACTAGAGG-3'